The following is an entry in ClinVar:

NM_001365536.1(SCN9A):c.4277A>C (p.Lys1426Thr)

Genes: SCN9A (sodium voltage-gated channel alpha subunit 9; minus strand), SCN1A-AS1 (SCN1A and SCN9A antisense RNA 1; plus strand). Cytogenetic location: 2q24.3.
Variant type: single nucleotide variant.
Coding change: c.4277A>C on transcript NM_001365536.1 (MANE Select); coding-DNA position 4277, A replaced by C.
Protein change: p.Lys1426Thr; replaces lysine 1426 with threonine.
Molecular consequence: missense variant.
Genome position (GRCh38, 1-based): chr2:166,226,688, T>G on the plus strand (A>C on the coding strand, the complement: SCN9A is on the minus strand). VCF-style: chr2-166226688-T-G. GRCh37 (hg19) VCF-style: chr2-167083198-T-G.
Other names: c.4244A>C, p.Lys1415Thr (NM_002977.4); short protein forms K1415T, K1426T.
Identifiers: ClinVar variation 1480313 (VCV001480313.6), dbSNP rs924785687, ClinGen allele CA59809379.

ClinVar aggregate classification (germline): Uncertain significance (1 of 4 stars; one submission).

Conditions:
Generalized epilepsy with febrile seizures plus, type 7 (GEFSP7). Also called: GEFS+, TYPE 7. Identifiers: Orphanet 36387, MedGen C2751778, MONDO:0013470, OMIM 613863.
Neuropathy, hereditary sensory and autonomic, type 2A (HSAN2A). Also called: HSAN IIA; WNK1-Related HSAN2 (HSAN2A); MORVAN DISEASE; NEUROPATHY, CONGENITAL SENSORY; NEUROPATHY, HEREDITARY SENSORY RADICULAR, AUTOSOMAL RECESSIVE; NEUROPATHY, HEREDITARY SENSORY, TYPE IIA. Identifiers: Orphanet 970, MedGen C2752089, MONDO:0024309, OMIM 201300.

Allele frequency attached by ClinVar (database versions not stated): gnomAD exomes below 0.00001 and 0.00001; gnomAD 0.00001; TOPMed 0.00001.
gnomAD v4.1: 16 of 1,568,392 alleles (0.001%); highest among the groups gnomAD compares: Non-Finnish European, 0.0012%; no homozygotes.

Submission:

Labcorp Genetics (formerly Invitae), Labcorp
Classification: Uncertain significance for Neuropathy, hereditary sensory and autonomic, type 2A; Generalized epilepsy with febrile seizures plus, type 7. Last evaluated: 2024-06-28. Review status: criteria provided, single submitter. Criteria: Invitae Variant Classification Sherloc (09022015). Collection method: clinical testing. Allele origin: germline.
Comment: This sequence change replaces lysine, which is basic and polar, with threonine, which is neutral and polar, at codon 1415 of the SCN9A protein (p.Lys1415Thr). This variant is not present in population databases (gnomAD no frequency). This variant has not been reported in the literature in individuals affected with SCN9A-related conditions. ClinVar contains an entry for this variant (Variation ID: 1480313). Advanced modeling of protein sequence and biophysical properties (such as structural, functional, and spatial information, amino acid conservation, physicochemical variation, residue mobility, and thermodynamic stability) performed at Invitae indicates that this missense variant is not expected to disrupt SCN9A protein function with a negative predictive value of 95%. In summary, the available evidence is currently insufficient to determine the role of this variant in disease. Therefore, it has been classified as a Variant of Uncertain Significance.